The following is an entry in ClinVar:

ClinVar aggregate classification (germline): Uncertain significance (1 of 4 stars; one submission).

Conditions:
ATM-related cancer predisposition. Also called: ATM-related cancer susceptibility. Identifiers: MedGen CN377759, MONDO:0700270.

gnomAD v4.1: 4 of 152,070 alleles (0.0026%); highest among the groups gnomAD compares: Admixed American, 0.0065%; no homozygotes.

Submission:

Dasa
Classification: Uncertain significance for ATM-related cancer predisposition. Last evaluated: 2026-01-05. Review status: criteria provided, single submitter. Criteria: DASA Assertion Criteria. Collection method: clinical testing. Allele origin: germline.
Comment: NM_000051.4(ATM):c.8585-240G>A is an intronic variant. This variant has been observed in affected individuals with ATM-related cancer predisposition. Also, this variant is rare in population databases. Computational prediction algorithms are consistent with a benign effect. The currently available literature and clinical evidence are not sufficient to establish a definitive association between this variant and the reported condition. Therefore, this variant is classified as a variant of uncertain significance.

NM_000051.4(ATM):c.8585-240G>A

Genes: ATM (ATM serine/threonine kinase; plus strand), C11orf65 (chromosome 11 open reading frame 65; minus strand). Cytogenetic location: 11q22.3.
Variant type: single nucleotide variant.
Coding change: c.8585-240G>A on transcript NM_000051.4 (MANE Select); 240 bases into the intron before coding-DNA position 8585, G replaced by A.
Molecular consequence: intron variant.
Genome position (GRCh38, 1-based): chr11:108,347,039, G>A. VCF-style: chr11-108347039-G-A. GRCh37 (hg19) VCF-style: chr11-108217766-G-A.
Other names: c.8585-240G>A (NM_001351834.2); c.641-37968C>T (NM_001330368.2); c.695-11747C>T (NM_001351110.2).
Identifiers: ClinVar variation 4882630 (VCV004882630.2).